The following is an entry in ClinVar:

ClinVar aggregate classification (germline): Benign. Review status: criteria provided, multiple submitters, no conflicts (2 of 4 stars). 3 submissions from 3 submitters: Benign (3). Last evaluated 2019-08-10.

Conditions:
Amyotrophic lateral sclerosis type 21. Also called: VOCAL CORD AND PHARYNGEAL DYSFUNCTION WITH DISTAL MYOPATHY; MYOPATHY, DISTAL, 2. Identifiers: Orphanet 600, Orphanet 803, MedGen C3807521, MONDO:0011632, OMIM 606070.

Allele frequency attached by ClinVar (database versions not stated): 1000 Genomes Project 30x 0.44425; TOPMed 0.54797; 1000 Genomes Project 0.44649; ESP Exome Variant Server 0.54422.
gnomAD v4.1: 1,052,602 of 1,507,718 alleles (70%); highest among the groups gnomAD compares: Non-Finnish European, 74%; 369,403 homozygotes.

Submissions (3):

GeneDx
Classification: Benign. Last evaluated: 2019-08-10. Review status: criteria provided, single submitter. Criteria: GeneDx Variant Classification Process June 2021. Collection method: clinical testing. Allele origin: germline. Affected: yes.

Illumina Laboratory Services, Illumina
Classification: Benign for Amyotrophic lateral sclerosis type 21. Last evaluated: 2018-01-13. Review status: criteria provided, single submitter. Criteria: ICSL Variant Classification Criteria 13 December 2019. Collection method: clinical testing. Allele origin: germline.
Comment: This variant was observed in the ICSL laboratory as part of a predisposition screen in an ostensibly healthy population. It had not been previously curated by ICSL or reported in the Human Gene Mutation Database (HGMD: prior to June 1st, 2018), and was therefore a candidate for classification through an automated scoring system. Utilizing variant allele frequency, disease prevalence and penetrance estimates, and inheritance mode, an automated score was calculated to assess if this variant is too frequent to cause the disease. Based on the score and internal cut-off values, a variant classified as benign is not then subjected to further curation. The score for this variant resulted in a classification of benign for this disease.

PreventionGenetics, part of Exact Sciences
Classification: Benign. Review status: criteria provided, single submitter. Criteria: ACMG Guidelines, 2015. Collection method: clinical testing. Allele origin: germline.

NM_018834.6(MATR3):c.-43T>A

Gene: MATR3 (matrin 3; plus strand). Cytogenetic location: 5q31.2.
Variant type: single nucleotide variant.
Coding change: c.-43T>A on transcript NM_018834.6 (MANE Select); 43 bases upstream of the start codon, T replaced by A.
Molecular consequence: 5 prime UTR variant. On other transcripts: intron variant (2).
Genome position (GRCh38, 1-based): chr5:139,307,373, T>A. VCF-style: chr5-139307373-T-A. GRCh37 (hg19) VCF-style: chr5-138643062-T-A.
Other names: c.-43T>A (NM_001194954.2, NM_001194955.2, NM_199189.3); c.-102-7302T>A (NM_001282278.2); c.49-7302T>A (NM_001194956.2).
Identifiers: ClinVar variation 263207 (VCV000263207.8), dbSNP rs12153162, ClinGen allele CA3432849.